The following is an entry in ClinVar:

NM_002529.4(NTRK1):c.453C>G (p.His151Gln)

Gene: NTRK1 (neurotrophic receptor tyrosine kinase 1; plus strand). Cytogenetic location: 1q23.1.
Variant type: single nucleotide variant.
Coding change: c.453C>G on transcript NM_002529.4 (MANE Select); coding-DNA position 453, C replaced by G.
Protein change: p.His151Gln; replaces histidine 151 with glutamine.
Molecular consequence: missense variant.
Genome position (GRCh38, 1-based): chr1:156,868,128, C>G. VCF-style: chr1-156868128-C-G. GRCh37 (hg19) VCF-style: chr1-156837920-C-G.
Other names: c.363C>G, p.His121Gln (NM_001007792.1); c.453C>G, p.His151Gln (NM_001012331.2); short protein forms H121Q, H151Q.
Identifiers: ClinVar variation 856438 (VCV000856438.9), dbSNP rs368564443, ClinGen allele CA31108140.

ClinVar aggregate classification (germline): Uncertain significance. Review status: criteria provided, multiple submitters, no conflicts (2 of 4 stars). 4 submissions from 4 submitters: Uncertain significance (3). 1 of the submissions does not count toward it. Last evaluated 2025-09-02.

Conditions:
Hereditary insensitivity to pain with anhidrosis (CIPA). Also called: NTRK1 Congenital Insensitivity to Pain with Anhidrosis; FAMILIAL DYSAUTONOMIA, TYPE II; NEUROPATHY, CONGENITAL SENSORY, WITH ANHIDROSIS; HSAN Type IV; hereditary sensory and autonomic neuropathy type 4; INSENSITIVITY TO PAIN, CONGENITAL, WITH ANHIDROSIS. Identifiers: Orphanet 642, MedGen C0020074, MONDO:0009746, OMIM 256800.
Inborn genetic diseases. Identifiers: MedGen C0950123, MeSH D030342.

Allele frequency attached by ClinVar (database versions not stated): TOPMed 0.00002.
gnomAD v4.1: 10 of 1,613,888 alleles (0.00062%); highest among the groups gnomAD compares: Admixed American, 0.005%; no homozygotes.

Submissions (4):

Labcorp Genetics (formerly Invitae), Labcorp
Classification: Uncertain significance for Hereditary insensitivity to pain with anhidrosis. Last evaluated: 2025-09-02. Review status: criteria provided, single submitter. Criteria: Invitae Variant Classification Sherloc (09022015). Collection method: clinical testing. Allele origin: germline.
Comment: This sequence change replaces histidine, which is basic and polar, with glutamine, which is neutral and polar, at codon 151 of the NTRK1 protein (p.His151Gln). This variant is present in population databases (no rsID available, gnomAD 0.006%). This variant has not been reported in the literature in individuals affected with NTRK1-related conditions. ClinVar contains an entry for this variant (Variation ID: 856438). Invitae Evidence Modeling of protein sequence and biophysical properties (such as structural, functional, and spatial information, amino acid conservation, physicochemical variation, residue mobility, and thermodynamic stability) indicates that this missense variant is not expected to disrupt NTRK1 protein function with a negative predictive value of 95%. In summary, the available evidence is currently insufficient to determine the role of this variant in disease. Therefore, it has been classified as a Variant of Uncertain Significance.

Ambry Genetics
Classification: Uncertain significance for Inborn genetic diseases. Last evaluated: 2023-12-09. Review status: criteria provided, single submitter. Criteria: Ambry Variant Classification Scheme 2023. Collection method: clinical testing. Allele origin: germline.

Genome-Nilou Lab
Classification: Uncertain significance for Hereditary insensitivity to pain with anhidrosis. Last evaluated: 2023-04-11. Review status: criteria provided, single submitter. Criteria: ACMG Guidelines, 2015. Collection method: clinical testing. Allele origin: germline. Affected: no.

Natera, Inc.
Classification: Uncertain significance for Hereditary insensitivity to pain with anhidrosis. Last evaluated: 2020-08-20. Review status: no assertion criteria provided. Collection method: clinical testing. Allele origin: germline. Not counted in ClinVar's aggregate classification.